The following is an entry in ClinVar:

ClinVar aggregate classification (germline): Uncertain significance (1 of 4 stars; one submission).

Conditions:
Charcot-Marie-Tooth disease axonal type 2S. Also called: CHARCOT-MARIE-TOOTH DISEASE, AXONAL, AUTOSOMAL RECESSIVE, TYPE 2S; CHARCOT-MARIE-TOOTH NEUROPATHY, TYPE 2S. Identifiers: Orphanet 443073, MedGen C4015349, MONDO:0014511, OMIM 616155.
Autosomal recessive distal spinal muscular atrophy 1. Also called: NEURONOPATHY, DISTAL HEREDITARY MOTOR, HARDING TYPE VI; NEUROPATHY, DISTAL HEREDITARY MOTOR, AUTOSOMAL RECESSIVE 1; SEVERE INFANTILE AXONAL NEUROPATHY WITH RESPIRATORY FAILURE; SPINAL MUSCULAR ATROPHY, DIAPHRAGMATIC; HMN VI; Spinal muscular atrophy with respiratory distress 1. Identifiers: Orphanet 98920, MedGen C1858517, MONDO:0011436, OMIM 604320.

Allele frequency attached by ClinVar (database versions not stated): ExAC 0.00002.
gnomAD v4.1: 2 of 1,614,122 alleles (0.00012%); highest among the groups gnomAD compares: South Asian, 0.0022%; no homozygotes.

Submission:

Labcorp Genetics (formerly Invitae), Labcorp
Classification: Uncertain significance for Autosomal recessive distal spinal muscular atrophy 1; Charcot-Marie-Tooth disease axonal type 2S. Last evaluated: 2022-01-05. Review status: criteria provided, single submitter. Criteria: Invitae Variant Classification Sherloc (09022015). Collection method: clinical testing. Allele origin: germline.
Comment: This sequence change replaces proline, which is neutral and non-polar, with arginine, which is basic and polar, at codon 747 of the IGHMBP2 protein (p.Pro747Arg). This variant is present in population databases (rs778723699, gnomAD 0.006%). This variant has not been reported in the literature in individuals affected with IGHMBP2-related conditions. Algorithms developed to predict the effect of missense changes on protein structure and function are either unavailable or do not agree on the potential impact of this missense change (SIFT: "Deleterious"; PolyPhen-2: "Probably Damaging"; Align-GVGD: "Class C0"). In summary, the available evidence is currently insufficient to determine the role of this variant in disease. Therefore, it has been classified as a Variant of Uncertain Significance.

NM_002180.3(IGHMBP2):c.2240C>G (p.Pro747Arg)

Gene: IGHMBP2 (immunoglobulin mu DNA binding protein 2; plus strand). Cytogenetic location: 11q13.3.
Variant type: single nucleotide variant.
Coding change: c.2240C>G on transcript NM_002180.3 (MANE Select); coding-DNA position 2240, C replaced by G.
Protein change: p.Pro747Arg; replaces proline 747 with arginine.
Molecular consequence: missense variant.
Genome position (GRCh38, 1-based): chr11:68,936,720, C>G. VCF-style: chr11-68936720-C-G. GRCh37 (hg19) VCF-style: chr11-68704188-C-G.
Other names: short protein forms P747R.
Identifiers: ClinVar variation 2075141 (VCV002075141.1), dbSNP rs778723699, ClinGen allele CA6153864.